The following is an entry in ClinVar:

ClinVar aggregate classification (germline): Uncertain significance (1 of 4 stars; one submission).

Conditions:
Congenital myasthenic syndrome 8. Also called: Myasthenic syndrome, congenital, 8, with pre- and postsynaptic defects; MYASTHENIC SYNDROME, CONGENITAL, DUE TO AGRIN DEFICIENCY. Identifiers: Orphanet 590, MedGen C3808739, MONDO:0014052, OMIM 615120.

gnomAD v4.1: 2 of 1,611,106 alleles (0.00012%); highest among the groups gnomAD compares: Admixed American, 0.0017%; no homozygotes.

Submission:

Labcorp Genetics (formerly Invitae), Labcorp
Classification: Uncertain significance for Congenital myasthenic syndrome 8. Last evaluated: 2022-05-24. Review status: criteria provided, single submitter. Criteria: Invitae Variant Classification Sherloc (09022015). Collection method: clinical testing. Allele origin: germline.
Comment: In summary, the available evidence is currently insufficient to determine the role of this variant in disease. Therefore, it has been classified as a Variant of Uncertain Significance. Algorithms developed to predict the effect of missense changes on protein structure and function output the following: SIFT: "Tolerated"; PolyPhen-2: "Possibly Damaging"; Align-GVGD: "Class C0". The glutamine amino acid residue is found in multiple mammalian species, which suggests that this missense change does not adversely affect protein function. This variant has not been reported in the literature in individuals affected with AGRN-related conditions. This variant is not present in population databases (gnomAD no frequency). This sequence change replaces proline, which is neutral and non-polar, with glutamine, which is neutral and polar, at codon 998 of the AGRN protein (p.Pro998Gln).

NM_198576.4(AGRN):c.2993C>A (p.Pro998Gln)

Gene: AGRN (agrin; plus strand). Cytogenetic location: 1p36.33.
Variant type: single nucleotide variant.
Coding change: c.2993C>A on transcript NM_198576.4 (MANE Select); coding-DNA position 2993, C replaced by A.
Protein change: p.Pro998Gln; replaces proline 998 with glutamine.
Molecular consequence: missense variant.
Genome position (GRCh38, 1-based): chr1:1,046,478, C>A. VCF-style: chr1-1046478-C-A. GRCh37 (hg19) VCF-style: chr1-981858-C-A.
Other names: c.2993C>A, p.Pro998Gln (NM_001305275.2); c.2678C>A, p.Pro893Gln (NM_001364727.2); short protein forms P998Q, P893Q.
Identifiers: ClinVar variation 1984883 (VCV001984883.3), dbSNP rs200807722, ClinGen allele CA337845503.
Genomic context (GRCh38, chr1:1,046,478, plus strand): 5'-ACCCGACATCTGCCTCCGTGACTGTGACCACCCCAGGGCTCCTCCTGAGCCAGGCACTGC[C>A]GGCCCCCCCCGGCGCCCTCCCCCTGGCTCCCAGCAGTACCGCACACAGCCAGACCACCCC-3'
Protein context (NP_940978.2, residues 988-1008): TPGLLLSQAL[Pro998Gln]APPGALPLAP